The following is an entry in ClinVar:

ClinVar aggregate classification (germline): Likely pathogenic (1 of 4 stars; one submission).

Conditions:
Familial focal epilepsy with variable foci (FPEVF). Identifiers: Orphanet 98820, MedGen C1858477, MONDO:0020310.

Submission:

Labcorp Genetics (formerly Invitae), Labcorp
Classification: Likely pathogenic for Familial focal epilepsy with variable foci. Last evaluated: 2024-09-16. Review status: criteria provided, single submitter. Criteria: Invitae Variant Classification Sherloc (09022015). Collection method: clinical testing. Allele origin: germline.
Comment: This variant results in the deletion of part of exon 23 (c.1871-15_1901del) of the DEPDC5 gene. It is expected to disrupt RNA splicing. Variants that disrupt the donor or acceptor splice site typically lead to a loss of protein function (PMID: 16199547), and loss-of-function variants in DEPDC5 are known to be pathogenic (PMID: 23542697, 23542701). This variant is not present in population databases (gnomAD no frequency). This variant has not been reported in the literature in individuals affected with DEPDC5-related conditions. In summary, the currently available evidence indicates that the variant is pathogenic, but additional data are needed to prove that conclusively. Therefore, this variant has been classified as Likely Pathogenic.

Literature cited by the submitters: PubMed 16199547; PubMed 23542697; PubMed 23542701.

NM_001242896.3(DEPDC5):c.1871-15_1901del

Gene: DEPDC5 (DEP domain containing 5, GATOR1 subcomplex subunit; plus strand). Cytogenetic location: 22q12.3.
Variant type: Deletion.
Coding change: c.1871-15_1901del on transcript NM_001242896.3 (MANE Select); 15 bases into the intron before coding-DNA position 1871 through coding-DNA position 1901, 46 bases deleted.
Molecular consequence: splice acceptor variant. On other transcripts: intron variant (3).
Genome position (GRCh38, 1-based): chr22:31,821,487-31,821,532, 46 bases deleted. GRCh37 (hg19): chr22:32,217,473-32,217,518.
Other names: c.1871-15_1901del (NM_001364318.2, NM_001136029.4, NM_014662.6 and 3 more transcripts); c.1870+2262_1870+2307del (NM_001363854.2, NM_001242897.2, NM_001364319.2); c.1787-15_1817del (NM_001369902.1, NM_001369901.1).
Identifiers: ClinVar variation 3716996 (VCV003716996.2).
Genomic context (GRCh38, chr22:31,821,486, plus strand): 5'-GAAGGGAGAGTATAGTTAAGTGCACAGCACTAGCTATCAGGTGGGAATGATGCTCAGTGG[TTCTTTATCTGGGTAGGGCCATCCGGAGAAGCCATCCAGATCCACCA>T]CCAGACCCGACAGAATATGGCGGAGCTACAAGGCAGCGGGCAGAGGGATCCAACTCACTC-3'